The following is an entry in ClinVar:

ClinVar aggregate classification (germline): Uncertain significance. Review status: criteria provided, multiple submitters, no conflicts (2 of 4 stars). 2 submissions from 2 submitters: Uncertain significance (2). Last evaluated 2025-03-02.

Conditions:
DICER1-related tumor predisposition. Also called: DICER1 syndrome; DICER1-related pleuropulmonary blastoma cancer predisposition syndrome. Identifiers: Orphanet 284343, MedGen C3839822, MONDO:0100216.
Hereditary cancer-predisposing syndrome. Also called: Hereditary neoplastic syndrome; Neoplastic Syndromes, Hereditary; Tumor predisposition; Hereditary Cancer Syndrome. Identifiers: Orphanet 140162, MedGen C0027672, MeSH D009386, MONDO:0015356.

Allele frequency attached by ClinVar (database versions not stated): gnomAD exomes below 0.00001.

Submissions (2):

Ambry Genetics
Classification: Uncertain significance for Hereditary cancer-predisposing syndrome. Last evaluated: 2025-03-02. Review status: criteria provided, single submitter. Criteria: Ambry Variant Classification Scheme 2023. Collection method: clinical testing. Allele origin: germline.
Comment: The p.H850Y variant (also known as c.2548C>T), located in coding exon 15 of the DICER1 gene, results from a C to T substitution at nucleotide position 2548. The histidine at codon 850 is replaced by tyrosine, an amino acid with similar properties. This amino acid position is conserved. In addition, this alteration is predicted to be deleterious by in silico analysis. Since supporting evidence is limited at this time, the clinical significance of this alteration remains unclear.

Labcorp Genetics (formerly Invitae), Labcorp
Classification: Uncertain significance for DICER1-related tumor predisposition. Last evaluated: 2021-01-31. Review status: criteria provided, single submitter. Criteria: Invitae Variant Classification Sherloc (09022015). Collection method: clinical testing. Allele origin: germline.
Comment: In summary, the available evidence is currently insufficient to determine the role of this variant in disease. Therefore, it has been classified as a Variant of Uncertain Significance. Algorithms developed to predict the effect of missense changes on protein structure and function are either unavailable or do not agree on the potential impact of this missense change (SIFT: "Tolerated"; PolyPhen-2: "Possibly Damaging"; Align-GVGD: "Class C0"). This variant has not been reported in the literature in individuals with DICER1-related conditions. This variant is not present in population databases (ExAC no frequency). This sequence change replaces histidine with tyrosine at codon 850 of the DICER1 protein (p.His850Tyr). The histidine residue is highly conserved and there is a moderate physicochemical difference between histidine and tyrosine.

NM_177438.3(DICER1):c.2548C>T (p.His850Tyr)

Gene: DICER1 (dicer 1, ribonuclease III; minus strand). Cytogenetic location: 14q32.13.
Variant type: single nucleotide variant.
Coding change: c.2548C>T on transcript NM_177438.3 (MANE Select); coding-DNA position 2548, C replaced by T.
Protein change: p.His850Tyr; replaces histidine 850 with tyrosine.
Molecular consequence: missense variant.
Genome position (GRCh38, 1-based): chr14:95,107,982, G>A on the plus strand (C>T on the coding strand, the complement: DICER1 is on the minus strand). VCF-style: chr14-95107982-G-A. GRCh37 (hg19) VCF-style: chr14-95574319-G-A.
Other names: c.2548C>T, p.His850Tyr (NM_001195573.1, NM_001271282.3, NM_001291628.2 and 1 more transcripts); short protein forms H850Y.
Identifiers: ClinVar variation 1003056 (VCV001003056.13), dbSNP rs1891600112, ClinGen allele CA390881757.
Genomic context (GRCh38, chr14:95,107,982, plus strand): 5'-TAGGTTTAAATTCTAGTGCAGGTTTTTCAAGCCGAAGAATATGTGAGAATATATACTGGT[G>A]AAGTCTTGTAATCAACTCAAGCATTTGTAGAGACAACATGAAACCAGACTTCTTCAACTC-3'
Protein context (NP_803187.1, residues 840-860): LQMLELITRL[His850Tyr]QYIFSHILRL